The following is an entry in ClinVar:

NM_000038.6(APC):c.3207G>C (p.Arg1069Ser)

Gene: APC (APC regulator of Wnt signaling pathway; plus strand). Cytogenetic location: 5q22.2.
Variant type: single nucleotide variant.
Coding change: c.3207G>C on transcript NM_000038.6 (MANE Select); coding-DNA position 3207, G replaced by C.
Protein change: p.Arg1069Ser; replaces arginine 1069 with serine.
Molecular consequence: missense variant.
Genome position (GRCh38, 1-based): chr5:112,838,801, G>C. VCF-style: chr5-112838801-G-C. GRCh37 (hg19) VCF-style: chr5-112174498-G-C.
Other names: c.3207G>C, p.Arg1069Ser (NM_001127510.3, NM_001354895.2); c.3153G>C, p.Arg1051Ser (NM_001127511.3); c.3261G>C, p.Arg1087Ser (NM_001354896.2); c.3237G>C, p.Arg1079Ser (NM_001354897.2); c.3132G>C, p.Arg1044Ser (NM_001354898.2); c.3123G>C, p.Arg1041Ser (NM_001354899.2); c.3084G>C, p.Arg1028Ser (NM_001354900.2); c.3030G>C, p.Arg1010Ser (NM_001354901.2); and 5 more; short protein forms R1028S, R1079S, R1087S, R1044S, R1069S, R786S, R943S, R978S.
Identifiers: ClinVar variation 845912 (VCV000845912.11), dbSNP rs762867687, ClinGen allele CA16028367.

ClinVar aggregate classification (germline): Uncertain significance (1 of 4 stars; one submission).

Conditions:
Familial adenomatous polyposis 1 (FAP1). Also called: FAMILIAL ADENOMATOUS POLYPOSIS 1, ATTENUATED; POLYPOSIS, ADENOMATOUS INTESTINAL. Identifiers: MedGen C2713442, MONDO:0021056, OMIM 175100. Disease mechanism: loss of function.

Submission:

Labcorp Genetics (formerly Invitae), Labcorp
Classification: Uncertain significance for Familial adenomatous polyposis 1. Last evaluated: 2019-02-04. Review status: criteria provided, single submitter. Criteria: Invitae Variant Classification Sherloc (09022015). Collection method: clinical testing. Allele origin: germline.
Comment: This variant is not present in population databases (ExAC no frequency). This sequence change replaces arginine with serine at codon 1069 of the APC protein (p.Arg1069Ser). The arginine residue is highly conserved and there is a moderate physicochemical difference between arginine and serine. This variant has not been reported in the literature in individuals with APC-related conditions. In summary, the available evidence is currently insufficient to determine the role of this variant in disease. Therefore, it has been classified as a Variant of Uncertain Significance. Algorithms developed to predict the effect of missense changes on protein structure and function are either unavailable or do not agree on the potential impact of this missense change (SIFT: "Deleterious"; PolyPhen-2: "Probably Damaging"; Align-GVGD: "Class C15").